The following is an entry in ClinVar:

ClinVar aggregate classification (germline): Uncertain significance (1 of 4 stars; one submission).

Allele frequency attached by ClinVar (database versions not stated): gnomAD 0.00005 and 0.00006.

Submission:

Labcorp Genetics (formerly Invitae), Labcorp
Classification: Uncertain significance. Last evaluated: 2025-01-29. Review status: criteria provided, single submitter. Criteria: Invitae Variant Classification Sherloc (09022015). Collection method: clinical testing. Allele origin: germline.
Comment: This sequence change replaces glycine, which is neutral and non-polar, with serine, which is neutral and polar, at codon 177 of the CLP1 protein (p.Gly177Ser). This variant is present in population databases (rs751598423, gnomAD 0.006%). This variant has not been reported in the literature in individuals affected with CLP1-related conditions. ClinVar contains an entry for this variant (Variation ID: 1406843). Invitae Evidence Modeling of protein sequence and biophysical properties (such as structural, functional, and spatial information, amino acid conservation, physicochemical variation, residue mobility, and thermodynamic stability) indicates that this missense variant is not expected to disrupt CLP1 protein function with a negative predictive value of 80%. In summary, the available evidence is currently insufficient to determine the role of this variant in disease. Therefore, it has been classified as a Variant of Uncertain Significance.

NM_006831.3(CLP1):c.529G>A (p.Gly177Ser)

Gene: CLP1 (cleavage factor polyribonucleotide kinase subunit 1; plus strand). Cytogenetic location: 11q12.1.
Variant type: single nucleotide variant.
Coding change: c.529G>A on transcript NM_006831.3 (MANE Select); coding-DNA position 529, G replaced by A.
Protein change: p.Gly177Ser; replaces glycine 177 with serine.
Molecular consequence: missense variant. On other transcripts: intron variant (1).
Genome position (GRCh38, 1-based): chr11:57,660,005, G>A. VCF-style: chr11-57660005-G-A. GRCh37 (hg19) VCF-style: chr11-57427477-G-A.
Other names: c.414+115G>A (NM_001142597.2); short protein forms G177S.
Identifiers: ClinVar variation 1406843 (VCV001406843.7), dbSNP rs751598423, ClinGen allele CA6008537.
Genomic context (GRCh38, chr11:57,660,005, plus strand): 5'-GTGTCCATCCCTGGTACCATGGGGGCCCTCTACATCGAGCGGCCTGCAGATGTCGAAGAG[G>A]GTTTCTCTATCCAGGCCCCTCTGGTGTATCATTTTGGTTCCACCACTCCTGGCACTAACA-3'
Protein context (NP_006822.1, residues 167-187): YIERPADVEE[Gly177Ser]FSIQAPLVYH